The following is an entry in ClinVar:

ClinVar aggregate classification (germline): Benign. Review status: criteria provided, multiple submitters, no conflicts (2 of 4 stars). 8 submissions from 7 submitters: Benign (8). Last evaluated 2026-02-04.

Conditions:
Hypoalphalipoproteinemia, primary, 1. Identifiers: Orphanet 425, MedGen C5231558, MONDO:0011393, OMIM 604091.
Tangier disease (TGD). Also called: HIGH DENSITY LIPOPROTEIN DEFICIENCY, TANGIER TYPE; HIGH DENSITY LIPOPROTEIN DEFICIENCY, TYPE 1; Cholesterol thesaurismosis. Identifiers: Orphanet 31150, MedGen C0039292, MONDO:0008783, OMIM 205400.

Allele frequency attached by ClinVar (database versions not stated): ESP Exome Variant Server 0.04413; gnomAD 0.04938 and 0.05779; TOPMed 0.05413; gnomAD exomes 0.07257 and 0.08758; ExAC 0.08804; 1000 Genomes Project 30x 0.13476; 1000 Genomes Project 0.14417.
gnomAD v4.1: 114,773 of 1,602,912 alleles (7.2%); highest among the groups gnomAD compares: East Asian, 37%; 7,264 homozygotes.

Submissions (8):

Labcorp Genetics (formerly Invitae), Labcorp
Classification: Benign. Last evaluated: 2026-02-04. Review status: criteria provided, single submitter. Criteria: Invitae Variant Classification Sherloc (09022015). Collection method: clinical testing. Allele origin: germline.

Blueprint Genetics
Classification: Benign. Last evaluated: 2024-11-27. Review status: criteria provided, single submitter. Criteria: ACMG Guidelines, 2015. Collection method: clinical testing. Allele origin: germline.

Genome-Nilou Lab
Classification: Benign for Tangier disease. Last evaluated: 2021-07-14. Review status: criteria provided, single submitter. Criteria: ACMG Guidelines, 2015. Collection method: clinical testing. Allele origin: germline. Affected: no.

Women's Health and Genetics/Laboratory Corporation of America, LabCorp
Classification: Benign. Last evaluated: 2019-08-12. Review status: criteria provided, single submitter. Criteria: LabCorp Variant Classification Summary - May 2015. Collection method: clinical testing. Allele origin: germline.

GeneDx
Classification: Benign. Last evaluated: 2018-11-07. Review status: criteria provided, single submitter. Criteria: GeneDx Variant Classification Process June 2021. Collection method: clinical testing. Allele origin: germline. Affected: yes.

Illumina Laboratory Services, Illumina
Classification: Benign for Tangier disease. Last evaluated: 2018-01-13. Review status: criteria provided, single submitter. Criteria: ICSL Variant Classification Criteria 13 December 2019. Collection method: clinical testing. Allele origin: germline.
Comment: This variant was observed in the ICSL laboratory as part of a predisposition screen in an ostensibly healthy population. It had not been previously curated by ICSL or reported in the Human Gene Mutation Database (HGMD: prior to June 1st, 2018), and was therefore a candidate for classification through an automated scoring system. Utilizing variant allele frequency, disease prevalence and penetrance estimates, and inheritance mode, an automated score was calculated to assess if this variant is too frequent to cause the disease. Based on the score and internal cut-off values, a variant classified as benign is not then subjected to further curation. The score for this variant resulted in a classification of benign for this disease.

Illumina Laboratory Services, Illumina
Classification: Benign for Hypoalphalipoproteinemia, primary, 1. Last evaluated: 2018-01-13. Review status: criteria provided, single submitter. Criteria: ICSL Variant Classification Criteria 13 December 2019. Collection method: clinical testing. Allele origin: germline.
Comment: the same text as in the submission from Illumina Laboratory Services, Illumina above.

Breakthrough Genomics
Classification: Benign. Review status: criteria provided, single submitter. Criteria: ACMG Guidelines, 2015. Collection method: not provided. Allele origin: germline. Inheritance: Autosomal recessive inheritance. Affected: yes.

Literature cited by the submitters: PubMed 15935359 (cited by Women's Health and Genetics/Laboratory Corporation of America, LabCorp).

NM_005502.4(ABCA1):c.6401+13A>G

Genes: ABCA1 (ATP binding cassette subfamily A member 1; minus strand), NIPSNAP3B (nipsnap homolog 3B; plus strand). Cytogenetic location: 9q31.1.
Variant type: single nucleotide variant.
Coding change: c.6401+13A>G on transcript NM_005502.4 (MANE Select); 13 bases into the intron after coding-DNA position 6401, A replaced by G.
Molecular consequence: intron variant.
Genome position (GRCh38, 1-based): chr9:104,786,285, T>C on the plus strand (A>G on the coding strand, the complement: ABCA1 is on the minus strand). VCF-style: chr9-104786285-T-C. GRCh37 (hg19) VCF-style: chr9-107548566-T-C.
Identifiers: ClinVar variation 364379 (VCV000364379.26), dbSNP rs2066881, ClinGen allele CA5167557.